The following is an entry in ClinVar:

NM_020458.4(TTC7A):c.905G>A (p.Ser302Asn)

Gene: TTC7A (tetratricopeptide repeat domain 7A; plus strand). Cytogenetic location: 2p21.
Variant type: single nucleotide variant.
Coding change: c.905G>A on transcript NM_020458.4 (MANE Select); coding-DNA position 905, G replaced by A.
Protein change: p.Ser302Asn; replaces serine 302 with asparagine.
Molecular consequence: missense variant. On other transcripts: intron variant (1).
Genome position (GRCh38, 1-based): chr2:46,994,418, G>A. VCF-style: chr2-46994418-G-A. GRCh37 (hg19) VCF-style: chr2-47221557-G-A.
Other names: c.905G>A, p.Ser302Asn (NM_001288951.2); c.803G>A, p.Ser268Asn (NM_001288953.2); c.-61-718G>A (NM_001288955.2); short protein forms S268N, S302N.
Identifiers: ClinVar variation 2143401 (VCV002143401.3), dbSNP rs1237049282, ClinGen allele CA346713424.

ClinVar aggregate classification (germline): Uncertain significance (1 of 4 stars; one submission).

Conditions:
Multiple gastrointestinal atresias. Also called: FAMILIAL INTESTINAL POLYATRESIA SYNDROME; Multiple intestinal atresia. Identifiers: Orphanet 2300, MedGen C0220744, MONDO:0009465.

gnomAD v4.1: 1 of 1,614,084 alleles (0.000062%); highest among the groups gnomAD compares: East Asian, 0.0022%; no homozygotes.

Submission:

Labcorp Genetics (formerly Invitae), Labcorp
Classification: Uncertain significance for Multiple gastrointestinal atresias. Last evaluated: 2023-12-11. Review status: criteria provided, single submitter. Criteria: Invitae Variant Classification Sherloc (09022015). Collection method: clinical testing. Allele origin: germline.
Comment: This sequence change replaces serine, which is neutral and polar, with asparagine, which is neutral and polar, at codon 302 of the TTC7A protein (p.Ser302Asn). This variant is not present in population databases (gnomAD no frequency). This variant has not been reported in the literature in individuals affected with TTC7A-related conditions. ClinVar contains an entry for this variant (Variation ID: 2143401). Advanced modeling of protein sequence and biophysical properties (such as structural, functional, and spatial information, amino acid conservation, physicochemical variation, residue mobility, and thermodynamic stability) performed at Invitae indicates that this missense variant is not expected to disrupt TTC7A protein function with a negative predictive value of 80%. In summary, the available evidence is currently insufficient to determine the role of this variant in disease. Therefore, it has been classified as a Variant of Uncertain Significance.